The following is an entry in ClinVar:

NM_005660.3(SLC35A2):c.92-290G>A

Gene: SLC35A2 (solute carrier family 35 member A2; minus strand). Cytogenetic location: Xp11.23.
Variant type: single nucleotide variant.
Coding change: c.92-290G>A on transcript NM_005660.3 (MANE Select); 290 bases into the intron before coding-DNA position 92, G replaced by A.
Molecular consequence: intron variant. On other transcripts: synonymous variant (1).
Genome position (GRCh38, 1-based): chrX:48,910,286, C>T on the plus strand (G>A on the coding strand, the complement: SLC35A2 is on the minus strand). VCF-style: chrX-48910286-C-T. GRCh37 (hg19) VCF-style: chrX-48767563-C-T.
Other names: c.123G>A, p.Ala41= (NM_001282651.2); c.91+1260G>A (NM_001282649.2); c.92-290G>A (NM_001282647.2, NM_001042498.3, NM_001032289.3); c.131-290G>A (NM_001282650.2); c.20-290G>A (NM_001282648.2).
Identifiers: ClinVar variation 3035429 (VCV003035429.2), dbSNP rs1230449596, ClinGen allele CA641902285.
Genomic context (GRCh38, chrX:48,910,286, plus strand): 5'-GTCCATACCTGGAATCCTTACTGAGGTGTCAGGTAATGGCTGAGGCAAACCCTGGCCACG[C>T]GCCTCGGCTTCCTCCCAAGTGAGAAGCAACTCTTCCCCAGAAAGAATACCGACAACTACA-3'

ClinVar aggregate classification (germline): Likely benign (0 of 4 stars; one submission).

Conditions:
SLC35A2-related disorder. Also called: SLC35A2-related condition.

Allele frequency attached by ClinVar (database versions not stated): gnomAD exomes 0.00001.
gnomAD v4.1: 5 of 1,141,758 alleles (0.00044%); highest among the groups gnomAD compares: South Asian, 0.006%; no homozygotes.

Submission:

PreventionGenetics, part of Exact Sciences
Classification: Likely benign for SLC35A2-related condition. Last evaluated: 2019-08-09. Review status: no assertion criteria provided. Collection method: clinical testing. Allele origin: germline.
Comment: This variant is classified as likely benign based on ACMG/AMP sequence variant interpretation guidelines (Richards et al. 2015 PMID: 25741868, with internal and published modifications).